The following is an entry in ClinVar:

NM_000138.5(FBN1):c.3712+9G>T

Gene: FBN1 (fibrillin 1; minus strand). Cytogenetic location: 15q21.1.
Variant type: single nucleotide variant.
Coding change: c.3712+9G>T on transcript NM_000138.5 (MANE Select); 9 bases into the intron after coding-DNA position 3712, G replaced by T.
Molecular consequence: intron variant.
Genome position (GRCh38, 1-based): chr15:48,485,365, C>A on the plus strand (G>T on the coding strand, the complement: FBN1 is on the minus strand). VCF-style: chr15-48485365-C-A. GRCh37 (hg19) VCF-style: chr15-48777562-C-A.
Identifiers: ClinVar variation 887011 (VCV000887011.11), dbSNP rs769251450, ClinGen allele CA051422.
Genomic context (GRCh38, chr15:48,485,365, plus strand): 5'-GCCTGGGCCCTAAACTACTTTACTTAGGAACCTACTGAGAGATTCAACATGAGGCTAGAA[C>A]CTACTCACCGGTGCATGATCTCTGGTCAGGCATTAGTGCAAATCCCGGCTGACAGCTACA-3'

ClinVar aggregate classification (germline): Conflicting classifications of pathogenicity. Review status: criteria provided, conflicting classifications (1 of 4 stars). 9 submissions from 3 submitters: Uncertain significance (1); Benign (5); Likely benign (3). Last evaluated 2024-12-12.

Conditions:
Geleophysic dysplasia. Identifiers: Orphanet 2623, MedGen C3489726, MONDO:0000127.
Ectopia lentis 1, isolated, autosomal dominant (ECTOL1). Identifiers: Orphanet 1885, MedGen C3541518, MONDO:0007514, OMIM 129600.
Marfan syndrome (MFS). Also called: Marfan syndrome, classic; Marfan syndrome type 1; Marfan's syndrome; FBN1-Related Marfan Syndrome; MARFAN SYNDROME, TYPE I. Identifiers: Orphanet 284963, Orphanet 558, MedGen C0024796, MONDO:0007947, OMIM 154700.
Familial thoracic aortic aneurysm and aortic dissection (TAAD). Also called: Thoracic aortic aneurysms and dissections. Identifiers: Orphanet 91387, MedGen C4707243, MONDO:0019625.
Acromicric dysplasia (ACMICD). Also called: Acromicric skeletal dysplasia. Identifiers: Orphanet 969, MedGen C0265287, MONDO:0007055, OMIM 102370.
Weill-Marchesani syndrome. Also called: WM Syndrome; Mesodermal dysmorphodystrophy congenital. Identifiers: Orphanet 3449, MedGen C0265313, MONDO:0018096.
Stiff skin syndrome (SSKS). Identifiers: Orphanet 2833, MedGen C1861456, MONDO:0008492, OMIM 184900.

Allele frequency attached by ClinVar (database versions not stated): gnomAD 0.00004 and below 0.00001.
gnomAD v4.1: 62 of 1,614,036 alleles (0.0038%); highest among the groups gnomAD compares: South Asian, 0.068%; no homozygotes.

Submissions (9):

Labcorp Genetics (formerly Invitae), Labcorp
Classification: Likely benign for Marfan syndrome; Familial thoracic aortic aneurysm and aortic dissection. Last evaluated: 2024-12-12. Review status: criteria provided, single submitter. Criteria: Invitae Variant Classification Sherloc (09022015). Collection method: clinical testing. Allele origin: germline.

Blueprint Genetics
Classification: Likely benign. Last evaluated: 2019-09-27. Review status: criteria provided, single submitter. Criteria: ACMG Guidelines, 2015. Collection method: clinical testing. Allele origin: germline.

Illumina Laboratory Services, Illumina
Classification: Likely benign for Marfan syndrome. Last evaluated: 2018-01-13. Review status: criteria provided, single submitter. Criteria: ICSL Variant Classification Criteria 13 December 2019. Collection method: clinical testing. Allele origin: germline.
Comment: This variant was observed in the ICSL laboratory as part of a predisposition screen in an ostensibly healthy population. It had not been previously curated by ICSL or reported in the Human Gene Mutation Database (HGMD: prior to June 1st, 2018), and was therefore a candidate for classification through an automated scoring system. Utilizing variant allele frequency, disease prevalence and penetrance estimates, and inheritance mode, an automated score was calculated to assess if this variant is too frequent to cause the disease. Based on the score and internal cut-off values, a variant classified as likely benign is not then subjected to further curation. The score for this variant resulted in a classification of likely benign for this disease.

Illumina Laboratory Services, Illumina
Classification: Uncertain significance for Familial thoracic aortic aneurysm and aortic dissection. Last evaluated: 2018-01-13. Review status: criteria provided, single submitter. Criteria: ICSL Variant Classification Criteria 13 December 2019. Collection method: clinical testing. Allele origin: germline.

Illumina Laboratory Services, Illumina
Classification: Benign for Stiff skin syndrome. Last evaluated: 2018-01-13. Review status: criteria provided, single submitter. Criteria: ICSL Variant Classification Criteria 13 December 2019. Collection method: clinical testing. Allele origin: germline.
Comment: This variant was observed in the ICSL laboratory as part of a predisposition screen in an ostensibly healthy population. It had not been previously curated by ICSL or reported in the Human Gene Mutation Database (HGMD: prior to June 1st, 2018), and was therefore a candidate for classification through an automated scoring system. Utilizing variant allele frequency, disease prevalence and penetrance estimates, and inheritance mode, an automated score was calculated to assess if this variant is too frequent to cause the disease. Based on the score and internal cut-off values, a variant classified as benign is not then subjected to further curation. The score for this variant resulted in a classification of benign for this disease.

Illumina Laboratory Services, Illumina
Classification: Benign for Ectopia lentis 1, isolated, autosomal dominant. Last evaluated: 2018-01-13. Review status: criteria provided, single submitter. Criteria: ICSL Variant Classification Criteria 13 December 2019. Collection method: clinical testing. Allele origin: germline.
Comment: the same text as in the submission from Illumina Laboratory Services, Illumina above.

Illumina Laboratory Services, Illumina
Classification: Benign for Geleophysic dysplasia. Last evaluated: 2018-01-13. Review status: criteria provided, single submitter. Criteria: ICSL Variant Classification Criteria 13 December 2019. Collection method: clinical testing. Allele origin: germline.
Comment: the same text as in the submission from Illumina Laboratory Services, Illumina above.

Illumina Laboratory Services, Illumina
Classification: Benign for Weill-Marchesani syndrome. Last evaluated: 2018-01-13. Review status: criteria provided, single submitter. Criteria: ICSL Variant Classification Criteria 13 December 2019. Collection method: clinical testing. Allele origin: germline.
Comment: the same text as in the submission from Illumina Laboratory Services, Illumina above.

Illumina Laboratory Services, Illumina
Classification: Benign for Acromicric dysplasia. Last evaluated: 2018-01-13. Review status: criteria provided, single submitter. Criteria: ICSL Variant Classification Criteria 13 December 2019. Collection method: clinical testing. Allele origin: germline.
Comment: the same text as in the submission from Illumina Laboratory Services, Illumina above.